The following is an entry in ClinVar:

ClinVar aggregate classification (germline): Uncertain significance (0 of 4 stars; one submission).

Conditions:
ALMS1-related disorder. Also called: ALMS1-related condition.

gnomAD v4.1: 1 of 1,614,142 alleles (0.000062%); highest among the groups gnomAD compares: South Asian, 0.0011%; no homozygotes.

Submission:

PreventionGenetics, part of Exact Sciences
Classification: Uncertain significance for ALMS1-related condition. Last evaluated: 2024-09-23. Review status: no assertion criteria provided. Collection method: clinical testing. Allele origin: germline.
Comment: The ALMS1 c.8527C>T variant is predicted to result in the amino acid substitution p.Leu2843Phe. To our knowledge, this variant has not been reported in the literature. This variant is reported in 0.011% of alleles in individuals of African descent in gnomAD. At this time, the clinical significance of this variant is uncertain due to the absence of conclusive functional and genetic evidence.

NM_001378454.1(ALMS1):c.8524C>T (p.His2842Tyr)

Gene: ALMS1 (ALMS1 centrosome and basal body associated protein; plus strand). Cytogenetic location: 2p13.1.
Variant type: single nucleotide variant.
Coding change: c.8524C>T on transcript NM_001378454.1 (MANE Select); coding-DNA position 8524, C replaced by T.
Protein change: p.His2842Tyr; replaces histidine 2842 with tyrosine.
Molecular consequence: missense variant.
Genome position (GRCh38, 1-based): chr2:73,490,483, C>T. VCF-style: chr2-73490483-C-T. GRCh37 (hg19) VCF-style: chr2-73717610-C-T.
Other names: c.8527C>T, p.His2843Tyr (NM_015120.4); short protein forms H2842Y, H2843Y.
Identifiers: ClinVar variation 3357522 (VCV003357522.1).